The following is an entry in ClinVar:

ClinVar aggregate classification (germline): Uncertain significance. Review status: criteria provided, multiple submitters, no conflicts (2 of 4 stars). 2 submissions from 2 submitters: Uncertain significance (2). Last evaluated 2024-07-29.

Conditions:
Inborn genetic diseases. Identifiers: MedGen C0950123, MeSH D030342.

Allele frequency attached by ClinVar (database versions not stated): 1000 Genomes Project 0.00020; TOPMed 0.00026; ExAC 0.00002; gnomAD 0.00016; gnomAD exomes 0.00001; 1000 Genomes Project 30x 0.00016.
gnomAD v4.1: 50 of 1,614,178 alleles (0.0031%); highest among the groups gnomAD compares: Admixed American, 0.06%; no homozygotes.

Submissions (2):

Labcorp Genetics (formerly Invitae), Labcorp
Classification: Uncertain significance. Last evaluated: 2024-07-29. Review status: criteria provided, single submitter. Criteria: Invitae Variant Classification Sherloc (09022015). Collection method: clinical testing. Allele origin: germline.
Comment: This sequence change replaces serine, which is neutral and polar, with phenylalanine, which is neutral and non-polar, at codon 3904 of the ANK3 protein (p.Ser3904Phe). This variant is present in population databases (rs199864255, gnomAD 0.02%). This variant has not been reported in the literature in individuals affected with ANK3-related conditions. ClinVar contains an entry for this variant (Variation ID: 2057785). Advanced modeling of protein sequence and biophysical properties (such as structural, functional, and spatial information, amino acid conservation, physicochemical variation, residue mobility, and thermodynamic stability) performed at Invitae indicates that this missense variant is not expected to disrupt ANK3 protein function with a negative predictive value of 80%. In summary, the available evidence is currently insufficient to determine the role of this variant in disease. Therefore, it has been classified as a Variant of Uncertain Significance.

Ambry Genetics
Classification: Uncertain significance for Inborn genetic diseases. Last evaluated: 2023-05-17. Review status: criteria provided, single submitter. Criteria: Ambry Variant Classification Scheme 2023. Collection method: clinical testing. Allele origin: germline.

NM_020987.5(ANK3):c.11711C>T (p.Ser3904Phe)

Gene: ANK3 (ankyrin 3; minus strand). Cytogenetic location: 10q21.2.
Variant type: single nucleotide variant.
Coding change: c.11711C>T on transcript NM_020987.5 (MANE Select); coding-DNA position 11711, C replaced by T.
Protein change: p.Ser3904Phe; replaces serine 3904 with phenylalanine.
Molecular consequence: missense variant. On other transcripts: intron variant (4).
Genome position (GRCh38, 1-based): chr10:60,069,170, G>A on the plus strand (C>T on the coding strand, the complement: ANK3 is on the minus strand). VCF-style: chr10-60069170-G-A. GRCh37 (hg19) VCF-style: chr10-61828928-G-A.
Other names: c.11711C>T (NM_020987.3); c.4388-1161C>T (NM_001204403.2); c.4409-1161C>T (NM_001204404.2); c.4406-1161C>T (NM_001320874.2); c.1808-1161C>T (NM_001149.4); short protein forms S3904F.
Identifiers: ClinVar variation 2057785 (VCV002057785.5), dbSNP rs199864255, ClinGen allele CA5511049.